The following is an entry in ClinVar:

ClinVar aggregate classification (germline): Pathogenic/Likely pathogenic. Review status: criteria provided, multiple submitters, no conflicts (2 of 4 stars). 2 submissions from 2 submitters: Pathogenic (1); Likely pathogenic (1). Last evaluated 2025-08-09.

Conditions:
Early-infantile DEE. Also called: Early infantile epileptic encephalopathy; Early infantile epileptic encephalopathy with suppression bursts; Ohtahara syndrome. Identifiers: Orphanet 1934, MedGen C0393706, MONDO:0800491.
Developmental and epileptic encephalopathy, 13 (DEE13). Also called: SCN8A-Related Epilepsy; Developmental and Epileptic Encephalopathy (SCN8A-DEE); Early infantile epileptic encephalopathy 13. Identifiers: Orphanet 442835, MedGen C3281191, MONDO:0013801, OMIM 614558.

Submissions (2):

Labcorp Genetics (formerly Invitae), Labcorp
Classification: Pathogenic for Early-infantile DEE. Last evaluated: 2025-08-09. Review status: criteria provided, single submitter. Criteria: Invitae Variant Classification Sherloc (09022015). Collection method: clinical testing. Allele origin: germline.
Comment: This sequence change replaces valine, which is neutral and non-polar, with methionine, which is neutral and non-polar, at codon 891 of the SCN8A protein (p.Val891Met). This variant is not present in population databases (gnomAD no frequency). This missense change has been observed in individual(s) with SCN8A-related conditions (PMID: 28923014, 30968951; internal data). In at least one individual the variant was observed to be de novo. ClinVar contains an entry for this variant (Variation ID: 657717). Invitae Evidence Modeling of protein sequence and biophysical properties (such as structural, functional, and spatial information, amino acid conservation, physicochemical variation, residue mobility, and thermodynamic stability) indicates that this missense variant is expected to disrupt SCN8A protein function with a positive predictive value of 95%. This variant disrupts the p.Val891 amino acid residue in SCN8A. Other variant(s) that disrupt this residue have been observed in individuals with SCN8A-related conditions (internal data), which suggests that this may be a clinically significant amino acid residue. For these reasons, this variant has been classified as Pathogenic.

Johns Hopkins Genomics, Johns Hopkins University
Classification: Likely pathogenic for Developmental and epileptic encephalopathy, 13. Last evaluated: 2024-07-23. Review status: criteria provided, single submitter. Criteria: ACMG Guidelines, 2015. Collection method: clinical testing. Allele origin: germline.
Comment: This SCN8A variant (rs1592149793) is absent from a large population dataset and has been reported in ClinVar. This missense change has been observed in unrelated individuals with SCN8A-related disorders as either a de novo or inherited variant. At least one individual with this variant was described as having a milder clinical course. Two bioinformatic tools queried predict that the substitution would be damaging, but these algorithms have low specificity, especially for predicting gain-of-function (GoF) variants. The valine residue at this position is strongly conserved across vertebrate species assessed and is located in a transmembrane domain of the protein. Cryo-EM structure mapping of p.Val891Met suggests this substitution may alter local interactions, leading to changed coupling efficiencies between the pore domain (PD) and the first voltage-sensing domain (VSDI) of Nav1.6. Bioinformatic analysis predicts that this missense variant would not affect normal exon 16 of 27 splicing, although this has not been confirmed experimentally to our knowledge. We consider c.2671G>A to be likely pathogenic for autosomal dominant SCN8A-related epilepsy and/or neurodevelopmental disorder.

Literature cited by the submitters: PubMed 28923014 (cited by Labcorp Genetics (formerly Invitae), Labcorp and Johns Hopkins Genomics, Johns Hopkins University); PubMed 30968951 (cited by Labcorp Genetics (formerly Invitae), Labcorp and Johns Hopkins Genomics, Johns Hopkins University); PubMed 35492509 (cited by Johns Hopkins Genomics, Johns Hopkins University); PubMed 36696443 (cited by Johns Hopkins Genomics, Johns Hopkins University).

NM_001330260.2(SCN8A):c.2671G>A (p.Val891Met)

Gene: SCN8A (sodium voltage-gated channel alpha subunit 8; plus strand). Cytogenetic location: 12q13.13.
Variant type: single nucleotide variant.
Coding change: c.2671G>A on transcript NM_001330260.2 (MANE Select); coding-DNA position 2671, G replaced by A.
Protein change: p.Val891Met; replaces valine 891 with methionine.
Molecular consequence: missense variant.
Genome position (GRCh38, 1-based): chr12:51,765,797, G>A. VCF-style: chr12-51765797-G-A. GRCh37 (hg19) VCF-style: chr12-52159581-G-A.
Other names: c.2671G>A, p.Val891Met (NM_001177984.3, NM_001369788.1, NM_014191.4); short protein forms V891M.
Identifiers: ClinVar variation 657717 (VCV000657717.8), dbSNP rs1592149793, ClinGen allele CA384887642.
Genomic context (GRCh38, chr12:51,765,797, plus strand): 5'-TCAGTGGGTGCCCTGGGCAACCTGACACTGGTGCTGGCCATTATTGTCTTCATCTTTGCC[G>A]TGGTGGGGATGCAACTCTTTGGAAAAAGCTACAAAGAGTGTGTCTGCAAGATCAACCAGG-3'
Protein context (NP_001317189.1, residues 881-901): VLAIIVFIFA[Val891Met]VGMQLFGKSY